The following is an entry in ClinVar:

NM_152564.5(VPS13B):c.7692C>G (p.Asp2564Glu)

Gene: VPS13B (vacuolar protein sorting 13 homolog B; plus strand). Cytogenetic location: 8q22.2.
Variant type: single nucleotide variant.
Coding change: c.7692C>G on transcript NM_152564.5 (MANE Select); coding-DNA position 7692, C replaced by G.
Protein change: p.Asp2564Glu; replaces aspartic acid 2564 with glutamic acid.
Molecular consequence: missense variant.
Genome position (GRCh38, 1-based): chr8:99,778,944, C>G. VCF-style: chr8-99778944-C-G. GRCh37 (hg19) VCF-style: chr8-100791172-C-G.
Other names: c.7767C>G, p.Asp2589Glu (NM_017890.5); short protein forms D2564E, D2589E.
Identifiers: ClinVar variation 1438043 (VCV001438043.3), dbSNP rs767022008, ClinGen allele CA4824269.
Genomic context (GRCh38, chr8:99,778,944, plus strand): 5'-ACCCTTCAGCATCTTCGGGCAGATGGCAGTTTCCAGCGATGTAGTGGAAAAGCTGCTTGA[C>G]TGCACCGTGATAGTTGATTCTGTATTTGTAAACCTTGGACAGCATGTAGTCCATTCACTA-3'
Protein context (NP_689777.3, residues 2554-2574): VSSDVVEKLL[Asp2564Glu]CTVIVDSVFV

ClinVar aggregate classification (germline): Uncertain significance (1 of 4 stars; one submission).

Conditions:
Cohen syndrome (COH1). Also called: PEPPER SYNDROME; Cutis verticis gyrata, retinitis pigmentosa, and sensorineural deafness. Identifiers: Orphanet 193, MedGen C0265223, MONDO:0008999, OMIM 216550.

Allele frequency attached by ClinVar (database versions not stated): ExAC 0.00001; gnomAD exomes 0.00001.
gnomAD v4.1: 1 of 1,613,960 alleles (0.000062%); highest among the groups gnomAD compares: Admixed American, 0.0017%; no homozygotes.

Submission:

Labcorp Genetics (formerly Invitae), Labcorp
Classification: Uncertain significance for Cohen syndrome. Last evaluated: 2022-09-01. Review status: criteria provided, single submitter. Criteria: Invitae Variant Classification Sherloc (09022015). Collection method: clinical testing. Allele origin: germline.
Comment: This sequence change replaces aspartic acid, which is acidic and polar, with glutamic acid, which is acidic and polar, at codon 2589 of the VPS13B protein (p.Asp2589Glu). This variant is present in population databases (rs767022008, gnomAD 0.003%). This variant has not been reported in the literature in individuals affected with VPS13B-related conditions. ClinVar contains an entry for this variant (Variation ID: 1438043). Algorithms developed to predict the effect of missense changes on protein structure and function output the following: SIFT: "Not Available"; PolyPhen-2: "Benign"; Align-GVGD: "Not Available". The glutamic acid amino acid residue is found in multiple mammalian species, which suggests that this missense change does not adversely affect protein function. In summary, the available evidence is currently insufficient to determine the role of this variant in disease. Therefore, it has been classified as a Variant of Uncertain Significance.